The following is an entry in ClinVar:

NM_018062.4(FANCL):c.622G>A (p.Asp208Asn)

Gene: FANCL (FA complementation group L; minus strand). Cytogenetic location: 2p16.1.
Variant type: single nucleotide variant.
Coding change: c.622G>A on transcript NM_018062.4 (MANE Select); coding-DNA position 622, G replaced by A.
Protein change: p.Asp208Asn; replaces aspartic acid 208 with asparagine.
Molecular consequence: missense variant.
Genome position (GRCh38, 1-based): chr2:58,165,793, C>T on the plus strand (G>A on the coding strand, the complement: FANCL is on the minus strand). VCF-style: chr2-58165793-C-T. GRCh37 (hg19) VCF-style: chr2-58392928-C-T.
Other names: c.637G>A, p.Asp213Asn (NM_001114636.2); c.667G>A, p.Asp223Asn (NM_001374615.1); c.682G>A, p.Asp228Asn (NM_001410792.1); short protein forms D208N, D213N, D223N, D228N.
Identifiers: ClinVar variation 526332 (VCV000526332.17), dbSNP rs199564543, ClinGen allele CA1670537.

ClinVar aggregate classification (germline): Uncertain significance. Review status: criteria provided, multiple submitters, no conflicts (2 of 4 stars). 7 submissions from 7 submitters: Uncertain significance (7). Last evaluated 2025-10-23.

Conditions:
Fanconi anemia (FA). Also called: Fanconi's anemia. Identifiers: Orphanet 84, MedGen C0015625, MeSH D005199, MONDO:0019391.
Fanconi anemia complementation group L (FANCL). Also called: FANCL-Related Fanconi Anemia. Identifiers: Orphanet 84, MedGen C3469528, MONDO:0013566, OMIM 614083.

Allele frequency attached by ClinVar (database versions not stated): gnomAD 0.00004 and 0.00006; TOPMed 0.00007; gnomAD exomes 0.00011; ExAC 0.00012; 1000 Genomes Project 30x 0.00016; 1000 Genomes Project 0.00020.
gnomAD v4.1: 147 of 1,614,064 alleles (0.0091%); highest among the groups gnomAD compares: East Asian, 0.27%; 1 homozygote.

Submissions (7):

Labcorp Genetics (formerly Invitae), Labcorp
Classification: Uncertain significance for Fanconi anemia. Last evaluated: 2025-10-23. Review status: criteria provided, single submitter. Criteria: Invitae Variant Classification Sherloc (09022015). Collection method: clinical testing. Allele origin: germline.
Comment: This sequence change replaces aspartic acid, which is acidic and polar, with asparagine, which is neutral and polar, at codon 208 of the FANCL protein (p.Asp208Asn). This variant is present in population databases (rs199564543, gnomAD 0.1%). This missense change has been observed in individual(s) with premature ovarian insufficiency (PMID: 32789750). This variant is also known as c.637G>A (p.Asp213Asn). ClinVar contains an entry for this variant (Variation ID: 526332). Invitae Evidence Modeling of protein sequence and biophysical properties (such as structural, functional, and spatial information, amino acid conservation, physicochemical variation, residue mobility, and thermodynamic stability) indicates that this missense variant is expected to disrupt FANCL protein function with a positive predictive value of 80%. In summary, the available evidence is currently insufficient to determine the role of this variant in disease. Therefore, it has been classified as a Variant of Uncertain Significance.

GeneDx
Classification: Uncertain significance. Last evaluated: 2024-11-12. Review status: criteria provided, single submitter. Criteria: GeneDx Variant Classification Process June 2021. Collection method: clinical testing. Allele origin: germline. Affected: yes.
Comment: Reported in an individual with premature ovarian function decline, however additional clinical information was not provided (PMID: 32789750); In silico analysis supports that this missense variant has a deleterious effect on protein structure/function; This variant is associated with the following publications: (PMID: 35171259, 32789750)

Blueprint Genetics
Classification: Uncertain significance. Last evaluated: 2024-09-30. Review status: criteria provided, single submitter. Criteria: ACMG Guidelines, 2015. Collection method: clinical testing. Allele origin: germline.

Fulgent Genetics
Classification: Uncertain significance for Fanconi anemia complementation group L. Last evaluated: 2024-05-17. Review status: criteria provided, single submitter. Criteria: ACMG Guidelines, 2015. Collection method: clinical testing. Allele origin: germline.

Sema4
Classification: Uncertain significance for Fanconi anemia. Last evaluated: 2022-02-09. Review status: criteria provided, single submitter. Criteria: Sema4 Curation Guidelines. Collection method: curation. Allele origin: germline.
Comment: The FANCL c.622G>A (p.D208N) has been reported in at least one individual with secondary amenorrhea (PMID: 32789750). This variant was observed in 27/251422 chromosomes across all population in the large and broad cohorts in the Genome Aggregation Database (PMID: 32461654). The variant has been reported in ClinVar (Variation ID: 526332). Functional studies have not been performed, and in silico predictions of the variant's effect on protein function are inconclusive. The evidence is insufficient to meet ACMG/AMP criteria for classifying the variant as benign or pathogenic. Thus, the clinical significance of this variant is currently uncertain.

Illumina Laboratory Services, Illumina
Classification: Uncertain significance for Fanconi anemia complementation group L. Last evaluated: 2018-01-12. Review status: criteria provided, single submitter. Criteria: ICSL Variant Classification Criteria 13 December 2019. Collection method: clinical testing. Allele origin: germline.

Juno Genomics, Hangzhou Juno Genomics, Inc
Classification: Uncertain significance for Fanconi anemia complementation group L. Review status: criteria provided, single submitter. Criteria: ACMG Guidelines, 2015. Collection method: clinical testing. Allele origin: germline.
Comment: Absent from controls (or at extremely low frequency if recessive) in Genome Aggregation Database.;Multiple lines of computational evidence support a deleterious effect on the gene or gene product.

Literature cited by the submitters: PubMed 32789750 (cited by Labcorp Genetics (formerly Invitae), Labcorp and Sema4).